The following is an entry in ClinVar:

ClinVar aggregate classification (germline): Likely benign (1 of 4 stars; one submission).

Allele frequency attached by ClinVar (database versions not stated): TOPMed 0.00073; gnomAD 0.00074; 1000 Genomes Project 30x 0.00078; 1000 Genomes Project 0.00080; ESP Exome Variant Server 0.00085.
gnomAD v4.1: 212 of 1,612,342 alleles (0.013%); highest among the groups gnomAD compares: African/African-American, 0.26%; no homozygotes.

Submission:

CeGaT Center for Human Genetics Tuebingen
Classification: Likely benign. Last evaluated: 2024-04-01. Review status: criteria provided, single submitter. Criteria: CeGaT Center For Human Genetics Tuebingen Variant Classification Criteria Version 2. Collection method: clinical testing. Allele origin: germline. Affected: yes. Observed: 1 variant allele.
Comment: RORA: BP4, BP7, BS1

NM_134261.3(RORA):c.196+63756G>A

Genes: RORA (RAR related orphan receptor A; minus strand), RORA-AS1 (RORA antisense RNA 1; plus strand). Cytogenetic location: 15q22.2.
Variant type: single nucleotide variant.
Coding change: c.196+63756G>A on transcript NM_134261.3 (MANE Select); 63756 bases into the intron after coding-DNA position 196, G replaced by A.
Molecular consequence: intron variant. On other transcripts: synonymous variant (1).
Genome position (GRCh38, 1-based): chr15:60,614,901, C>T on the plus strand (G>A on the coding strand, the complement: RORA is on the minus strand). VCF-style: chr15-60614901-C-T. GRCh37 (hg19) VCF-style: chr15-60907100-C-T.
Other names: c.264G>A, p.Leu88= (NM_002943.4); c.137+12337G>A (NM_134260.3).
Identifiers: ClinVar variation 3234206 (VCV003234206.20), dbSNP rs340022, ClinGen allele CA7593889.
Genomic context (GRCh38, chr15:60,614,901, plus strand): 5'-ATGCTTACATACATATAGCTGCCTGGAGCATAGTAAGCTCTCAAATAACGCACCTTTTCT[C>T]AATGCAGGGAGCAGAAAAGAGAAGAACTCCCTTAAATTAATAAAGTTCTTGGCTGTGGCT-3'